The following is an entry in ClinVar:

NM_015459.5(ATL3):c.1459T>C (p.Trp487Arg)

Genes: ATL3 (atlastin GTPase 3; minus strand), LNCROPM (lncRNA regulator of PLAAT3 mediated phospholipid metabolism; plus strand). Cytogenetic location: 11q13.1.
Variant type: single nucleotide variant.
Coding change: c.1459T>C on transcript NM_015459.5 (MANE Select); coding-DNA position 1459, T replaced by C.
Protein change: p.Trp487Arg; replaces tryptophan 487 with arginine.
Molecular consequence: missense variant.
Genome position (GRCh38, 1-based): chr11:63,631,120, A>G on the plus strand (T>C on the coding strand, the complement: ATL3 is on the minus strand). VCF-style: chr11-63631120-A-G. GRCh37 (hg19) VCF-style: chr11-63398592-A-G.
Other names: c.1405T>C, p.Trp469Arg (NM_001290048.2); short protein forms W469R, W487R.
Identifiers: ClinVar variation 3681112 (VCV003681112.2).

ClinVar aggregate classification (germline): Uncertain significance (1 of 4 stars; one submission).

Conditions:
Neuropathy, hereditary sensory, type 1F. Also called: HSN IF; Hereditary sensory neuropathy type IF. Identifiers: Orphanet 36386, MedGen C3810194, MONDO:0014286, OMIM 615632.

gnomAD v4.1: 1 of 1,614,198 alleles (0.000062%); highest among the groups gnomAD compares: Non-Finnish European, 0.000085%; no homozygotes.

Submission:

Labcorp Genetics (formerly Invitae), Labcorp
Classification: Uncertain significance for Neuropathy, hereditary sensory, type 1F. Last evaluated: 2024-05-01. Review status: criteria provided, single submitter. Criteria: Invitae Variant Classification Sherloc (09022015). Collection method: clinical testing. Allele origin: germline.
Comment: This sequence change replaces tryptophan, which is neutral and slightly polar, with arginine, which is basic and polar, at codon 487 of the ATL3 protein (p.Trp487Arg). This variant is not present in population databases (gnomAD no frequency). This variant has not been reported in the literature in individuals affected with ATL3-related conditions. Advanced modeling of protein sequence and biophysical properties (such as structural, functional, and spatial information, amino acid conservation, physicochemical variation, residue mobility, and thermodynamic stability) performed at Invitae indicates that this missense variant is expected to disrupt ATL3 protein function with a positive predictive value of 80%. In summary, the available evidence is currently insufficient to determine the role of this variant in disease. Therefore, it has been classified as a Variant of Uncertain Significance.